The following is an entry in ClinVar:

ClinVar aggregate classification (germline): Likely benign (1 of 4 stars; one submission).

gnomAD v4.1: 5 of 1,612,922 alleles (0.00031%); highest among the groups gnomAD compares: East Asian, 0.0022%; no homozygotes.

Submission:

CeGaT Center for Human Genetics Tuebingen
Classification: Likely benign. Last evaluated: 2026-06-01. Review status: criteria provided, single submitter. Criteria: CeGaT Center For Human Genetics Tuebingen Variant Classification Criteria Version 2. Collection method: clinical testing. Allele origin: germline. Affected: yes. Observed: 1 variant allele.
Comment: TNPO2: BP4, BP7

NM_001382241.1(TNPO2):c.2418G>A (p.Thr806=)

Genes: TNPO2 (transportin 2; minus strand), LOC126862859 (CDK7 strongly-dependent group 2 enhancer GRCh37_chr19:12811952-12813151; plus strand). Cytogenetic location: 19p13.13.
Variant type: single nucleotide variant.
Coding change: c.2418G>A on transcript NM_001382241.1 (MANE Select); coding-DNA position 2418, G replaced by A.
Protein change: p.Thr806=; no amino-acid change (threonine 806 retained).
Molecular consequence: synonymous variant. On other transcripts: non-coding transcript variant (6).
Genome position (GRCh38, 1-based): chr19:12,701,845, C>T on the plus strand (G>A on the coding strand, the complement: TNPO2 is on the minus strand). VCF-style: chr19-12701845-C-T. GRCh37 (hg19) VCF-style: chr19-12812659-C-T.
Other names: c.2388G>A, p.Thr796= (NM_001136195.2, NM_001382236.1, NM_001382237.1 and 3 more transcripts); c.2418G>A, p.Thr806= (NM_001136196.2, NM_001382240.1, NM_001382242.1); c.2382G>A, p.Thr794= (NM_001382243.1).
Identifiers: ClinVar variation 4875254 (VCV004875254.2).